The following is an entry in ClinVar:

ClinVar aggregate classification (germline): Uncertain significance. Review status: criteria provided, single submitter (1 of 4 stars). 2 submissions from 2 submitters: Uncertain significance (1). 1 of the submissions does not count toward it. Last evaluated 2018-09-24.

Conditions:
Blau syndrome (BLAUS). Also called: ARTHROCUTANEOUVEAL GRANULOMATOSIS; GRANULOMATOSIS, FAMILIAL JUVENILE SYSTEMIC; GRANULOMATOSIS, FAMILIAL, BLAU TYPE; GRANULOMATOUS INFLAMMATORY ARTHRITIS, DERMATITIS, AND UVEITIS, FAMILIAL; JABS SYNDROME. Identifiers: Orphanet 90340, MedGen C5201146, MONDO:0008523, OMIM 186580.
Regional enteritis. Also called: Enteritis, Granulomatous. Identifiers: MedGen C0678202, MeSH D003424.

Submissions (2):

Labcorp Genetics (formerly Invitae), Labcorp
Classification: Uncertain significance for Regional enteritis; Blau syndrome. Last evaluated: 2018-09-24. Review status: criteria provided, single submitter. Criteria: Invitae Variant Classification Sherloc (09022015). Collection method: clinical testing. Allele origin: germline.
Comment: This sequence change replaces leucine with valine at codon 550 of the NOD2 protein (p.Leu550Val). The leucine residue is highly conserved and there is a small physicochemical difference between leucine and valine. In summary, the available evidence is currently insufficient to determine the role of this variant in disease. Therefore, it has been classified as a Variant of Uncertain Significance. Algorithms developed to predict the effect of sequence changes on RNA splicing suggest that this variant may create or strengthen a splice site, but this prediction has not been confirmed by published transcriptional studies. Experimental studies have shown that this missense change disrupts NOD2 protein function (PMID: 26500656). This variant has been observed in an individual affected with Crohn's disease (PMID: 15024686). ClinVar contains an entry for this variant (Variation ID: 97836). This variant is not present in population databases (ExAC no frequency).

Unité médicale des maladies autoinflammatoires, CHRU Montpellier
No classification provided. Condition: Sarcoidosis, early-onset. Review status: no classification provided. Collection method: not provided. Allele origin: unknown. Not counted in ClinVar's aggregate classification.
Comment: also involved in OMIM 186580 and 266600

Literature cited by the submitters: PubMed 26500656 (cited by Labcorp Genetics (formerly Invitae), Labcorp); PubMed 15024686 (cited by Labcorp Genetics (formerly Invitae), Labcorp).

NM_001370466.1(NOD2):c.1567C>G (p.Leu523Val)

Gene: NOD2 (nucleotide binding oligomerization domain containing 2; plus strand). Cytogenetic location: 16q12.1.
Variant type: single nucleotide variant.
Coding change: c.1567C>G on transcript NM_001370466.1 (MANE Select); coding-DNA position 1567, C replaced by G.
Protein change: p.Leu523Val; replaces leucine 523 with valine.
Molecular consequence: missense variant. On other transcripts: non-coding transcript variant (1).
Genome position (GRCh38, 1-based): chr16:50,711,559, C>G. VCF-style: chr16-50711559-C-G. GRCh37 (hg19) VCF-style: chr16-50745470-C-G.
Other names: c.1648C>G (LRG_177t1); c.1567C>G, p.Leu523Val (NM_001293557.2); c.1648C>G, p.Leu550Val (NM_022162.3); short protein forms L550V, L523V.
Identifiers: ClinVar variation 97836 (VCV000097836.8), dbSNP rs104895471, ClinGen allele CA150222.